The following is an entry in ClinVar:

NM_000136.3(FANCC):c.733C>G (p.Arg245Gly)

Genes: AOPEP (aminopeptidase O (putative); plus strand), FANCC (FA complementation group C; minus strand). Cytogenetic location: 9q22.32.
Variant type: single nucleotide variant.
Coding change: c.733C>G on transcript NM_000136.3 (MANE Select); coding-DNA position 733, C replaced by G.
Protein change: p.Arg245Gly; replaces arginine 245 with glycine.
Molecular consequence: missense variant.
Genome position (GRCh38, 1-based): chr9:95,135,456, G>C on the plus strand (C>G on the coding strand, the complement: FANCC is on the minus strand). VCF-style: chr9-95135456-G-C. GRCh37 (hg19) VCF-style: chr9-97897738-G-C.
Other names: c.733C>G, p.Arg245Gly (NM_001243743.2, NM_001243744.2); short protein forms R245G.
Identifiers: ClinVar variation 1939453 (VCV001939453.3), dbSNP rs571548182, ClinGen allele CA374109402.

ClinVar aggregate classification (germline): Uncertain significance. Review status: criteria provided, multiple submitters, no conflicts (2 of 4 stars). 2 submissions from 2 submitters: Uncertain significance (2). Last evaluated 2024-06-28.

Conditions:
Hereditary cancer-predisposing syndrome. Also called: Tumor predisposition; Hereditary neoplastic syndrome; Neoplastic Syndromes, Hereditary; Hereditary Cancer Syndrome. Identifiers: Orphanet 140162, MedGen C0027672, MeSH D009386, MONDO:0015356.
Fanconi anemia (FA). Also called: Fanconi's anemia. Identifiers: Orphanet 84, MedGen C0015625, MeSH D005199, MONDO:0019391.

Submissions (2):

Ambry Genetics
Classification: Uncertain significance for Hereditary cancer-predisposing syndrome. Last evaluated: 2024-06-28. Review status: criteria provided, single submitter. Criteria: Ambry Variant Classification Scheme 2023. Collection method: clinical testing. Allele origin: germline.
Comment: The p.R245G variant (also known as c.733C>G), located in coding exon 7 of the FANCC gene, results from a C to G substitution at nucleotide position 733. The arginine at codon 245 is replaced by glycine, an amino acid with dissimilar properties. This amino acid position is conserved. In addition, this alteration is predicted to be deleterious by in silico analysis. Based on the available evidence, the clinical significance of this variant remains unclear.

Labcorp Genetics (formerly Invitae), Labcorp
Classification: Uncertain significance for Fanconi anemia. Last evaluated: 2021-08-24. Review status: criteria provided, single submitter. Criteria: Invitae Variant Classification Sherloc (09022015). Collection method: clinical testing. Allele origin: germline.
Comment: This sequence change replaces arginine with glycine at codon 245 of the FANCC protein (p.Arg245Gly). The arginine residue is highly conserved and there is a moderate physicochemical difference between arginine and glycine. This variant is not present in population databases (ExAC no frequency). This variant has not been reported in the literature in individuals affected with FANCC-related conditions. Algorithms developed to predict the effect of missense changes on protein structure and function (SIFT, PolyPhen-2, Align-GVGD) all suggest that this variant is likely to be disruptive. In summary, the available evidence is currently insufficient to determine the role of this variant in disease. Therefore, it has been classified as a Variant of Uncertain Significance.